The following is an entry in ClinVar:

NC_000015.10:g.(?_55234762)_(55234954_?)del

Gene: RAB27A (RAB27A, member RAS oncogene family; minus strand). Cytogenetic location: 15q21.3.
Variant type: Deletion.
Identifiers: ClinVar variation 650701 (VCV000650701.5).

ClinVar aggregate classification (germline): Pathogenic (1 of 4 stars; one submission).

Conditions:
Griscelli syndrome type 2 (GS2). Also called: PAID SYNDROME; PARTIAL ALBINISM AND IMMUNODEFICIENCY SYNDROME; GRISCELLI SYNDROME WITH HEMOPHAGOCYTIC SYNDROME. Identifiers: Orphanet 381, Orphanet 79477, MedGen C1868679, MONDO:0011872, OMIM 607624.

Submission:

Labcorp Genetics (formerly Invitae), Labcorp
Classification: Pathogenic for Griscelli syndrome type 2. Last evaluated: 2018-10-29. Review status: criteria provided, single submitter. Criteria: Invitae Variant Classification Sherloc (09022015). Collection method: clinical testing. Allele origin: germline.
Comment: This variant is a gross deletion of the genomic region encompassing exon 2 of the RAB27A gene, which includes the initiator codon. The 5' end of this event is unknown as it extends beyond the assayed region for this gene and therefore may encompass additional genes. The 3' boundary is likely confined to intron 2 of the RAB27A gene. This is expected to result in an absent or disrupted protein product. For these reasons, this variant has been classified as Pathogenic. Loss-of-function variants in RAB27A are known to be pathogenic (PMID: 10835631, 23160464). This variant has not been reported in the literature in individuals with RAB27A-related disease.

Literature cited by the submitters: PubMed 10835631; PubMed 23160464.